The following is an entry in ClinVar:

ClinVar aggregate classification (germline): Likely pathogenic (1 of 4 stars; one submission).

Conditions:
Autosomal recessive nonsyndromic hearing loss 28. Identifiers: Orphanet 90636, MedGen C1853276, MONDO:0012355, OMIM 609823.

Submission:

Institute of Rare Diseases, West China Hospital, Sichuan University
Classification: Likely pathogenic for Autosomal recessive nonsyndromic hearing loss 28. Last evaluated: 2025-01-09. Review status: criteria provided, single submitter. Criteria: ClinGen HL ACMG Specifications v1. Collection method: research. Allele origin: germline. Affected: yes.
Comment: PVS1;PM2_Supporting

NM_001039141.3(TRIOBP):c.6040dup (p.Leu2014fs)

Gene: TRIOBP (TRIO and F-actin binding protein; plus strand). Cytogenetic location: 22q13.1.
Variant type: Duplication.
Coding change: c.6040dup on transcript NM_001039141.3 (MANE Select); coding-DNA position 6040, one base duplicated (C; older notation c.6040dupC).
Protein change: p.Leu2014fs; shifts the reading frame from leucine 2014.
Molecular consequence: frameshift variant.
Genome position (GRCh38, 1-based): chr22:37,757,965, C duplicated; the last of 6 consecutive C bases (chr22:37,757,960-37,757,965); duplicating any one gives the same sequence. VCF-style (leftmost placement, unchanged base first): chr22-37757959-G-GC. GRCh37 (hg19) VCF-style: chr22-38153966-G-GC.
Other names: c.901dup, p.Leu301fs (NM_007032.5, NM_138632.2); short protein forms L2014fs, L301fs.
Identifiers: ClinVar variation 3601956 (VCV003601956.1).
Genomic context (GRCh38, chr22:37,757,959, plus strand): 5'-GCCACAGACAGCAGGACCCCAGAGGTGCCTGCTGGTGAGGGGCCGCGCCGGGGCCTGGGT[G>GC]CCCCCCTGACTGAGGACCAGCAAAACCGGCTTAGTGAGGAGATCGAGAAGAAGTGGCAGG-3'